The following is an entry in ClinVar:

ClinVar aggregate classification (germline): Uncertain significance (1 of 4 stars; one submission).

Conditions:
ALG3-congenital disorder of glycosylation. Also called: CONGENITAL DISORDER OF GLYCOSYLATION, TYPE Id; CDG Id; ALG3-CDG; CARBOHYDRATE-DEFICIENT GLYCOPROTEIN SYNDROME, TYPE IV; CDGS, TYPE IV. Identifiers: Orphanet 79321, MedGen C1832736, MONDO:0010998, OMIM 601110.

Allele frequency attached by ClinVar (database versions not stated): gnomAD 0.00001; TOPMed 0.00001; ExAC 0.00009; 1000 Genomes Project 30x 0.00031; 1000 Genomes Project 0.00040.
gnomAD v4.1: 40 of 1,613,950 alleles (0.0025%); highest among the groups gnomAD compares: South Asian, 0.04%; no homozygotes.

Submission:

Labcorp Genetics (formerly Invitae), Labcorp
Classification: Uncertain significance for ALG3-congenital disorder of glycosylation. Last evaluated: 2018-01-13. Review status: criteria provided, single submitter. Criteria: Invitae Variant Classification Sherloc (09022015). Collection method: clinical testing. Allele origin: germline.
Comment: In summary, this variant is a rare missense change with uncertain impact on protein function. There is no indication that it causes disease, but the available evidence is currently insufficient to prove that conclusively. Therefore, it has been classified as a Variant of Uncertain Significance. Algorithms developed to predict the effect of missense changes on protein structure and function do not agree on the potential impact of this missense change (SIFT: "Tolerated"; PolyPhen-2: "Probably Damaging"; Align-GVGD: "Class C0"). This variant is present in population databases (rs528154210, ExAC 0.07%) but has not been reported in the literature in individuals with a ALG3-related disease. This sequence change replaces glutamine with lysine at codon 267 of the ALG3 protein (p.Gln267Lys). The glutamine residue is moderately conserved and there is a small physicochemical difference between glutamine and lysine.

NM_005787.6(ALG3):c.799C>A (p.Gln267Lys)

Gene: ALG3 (ALG3 alpha-1,3- mannosyltransferase; minus strand). Cytogenetic location: 3q27.1.
Variant type: single nucleotide variant.
Coding change: c.799C>A on transcript NM_005787.6 (MANE Select); coding-DNA position 799, C replaced by A.
Protein change: p.Gln267Lys; replaces glutamine 267 with lysine.
Molecular consequence: missense variant. On other transcripts: non-coding transcript variant (2).
Genome position (GRCh38, 1-based): chr3:184,243,924, G>T on the plus strand (C>A on the coding strand, the complement: ALG3 is on the minus strand). VCF-style: chr3-184243924-G-T. GRCh37 (hg19) VCF-style: chr3-183961712-G-T.
Other names: c.655C>A, p.Gln219Lys (NM_001006941.2); short protein forms Q267K, Q219K.
Identifiers: ClinVar variation 464045 (VCV000464045.6), dbSNP rs528154210, ClinGen allele CA2729414.